The following is an entry in ClinVar:

NM_006059.4(LAMC3):c.1932C>T (p.Ser644=)

Gene: LAMC3 (laminin subunit gamma 3; plus strand). Cytogenetic location: 9q34.12.
Variant type: single nucleotide variant.
Coding change: c.1932C>T on transcript NM_006059.4 (MANE Select); coding-DNA position 1932, C replaced by T.
Protein change: p.Ser644=; no amino-acid change (serine 644 retained).
Molecular consequence: synonymous variant.
Genome position (GRCh38, 1-based): chr9:131,052,958, C>T. VCF-style: chr9-131052958-C-T. GRCh37 (hg19) VCF-style: chr9-133928345-C-T.
Identifiers: ClinVar variation 129454 (VCV000129454.19), dbSNP rs12349966, ClinGen allele CA153476.

ClinVar aggregate classification (germline): Benign. Review status: criteria provided, multiple submitters, no conflicts (2 of 4 stars). 7 submissions from 7 submitters: Benign (4). 3 of the submissions do not count toward it. Last evaluated 2026-02-04.

Conditions:
Occipital pachygyria and polymicrogyria. Identifiers: Orphanet 280640, MedGen C3279875, MONDO:0013583, OMIM 614115.

Allele frequency attached by ClinVar (database versions not stated): TOPMed 0.46606; 1000 Genomes Project 0.47983; gnomAD 0.48282; ESP Exome Variant Server 0.49100; 1000 Genomes Project 30x 0.48470; gnomAD exomes 0.43194; ExAC 0.44957.
gnomAD v4.1: 712,333 of 1,608,202 alleles (44%); highest among the groups gnomAD compares: African/African-American, 58%; 160,266 homozygotes.

Submissions (7):

Labcorp Genetics (formerly Invitae), Labcorp
Classification: Benign. Last evaluated: 2026-02-04. Review status: criteria provided, single submitter. Criteria: Invitae Variant Classification Sherloc (09022015). Collection method: clinical testing. Allele origin: germline.

Genome-Nilou Lab
Classification: Benign for Occipital pachygyria and polymicrogyria. Last evaluated: 2021-08-19. Review status: criteria provided, single submitter. Criteria: ACMG Guidelines, 2015. Collection method: clinical testing. Allele origin: germline. Affected: no.

GeneDx
Classification: Benign. Last evaluated: 2015-03-03. Review status: criteria provided, single submitter. Criteria: GeneDx Variant Classification Process June 2021. Collection method: clinical testing. Allele origin: germline. Affected: yes.

Breakthrough Genomics
Classification: Benign. Review status: criteria provided, single submitter. Criteria: ACMG Guidelines, 2015. Collection method: not provided. Allele origin: germline. Inheritance: Autosomal recessive inheritance. Affected: yes.

Clinical Genetics DNA and cytogenetics Diagnostics Lab, Erasmus MC, Erasmus Medical Center
Classification: Benign. Review status: no assertion criteria provided. Collection method: clinical testing. Allele origin: germline. Affected: yes. Study: VKGL Data-share Consensus. Not counted in ClinVar's aggregate classification.

Diagnostic Laboratory, Department of Genetics, University Medical Center Groningen
Classification: Benign for Occipital pachygyria and polymicrogyria. Review status: no assertion criteria provided. Collection method: clinical testing. Allele origin: germline. Affected: yes. Study: VKGL Data-share Consensus. Not counted in ClinVar's aggregate classification.

Genetic Services Laboratory, University of Chicago
Classification: Likely benign for AllHighlyPenetrant. Review status: no assertion criteria provided. Collection method: clinical testing. Allele origin: germline. Inheritance: X-linked inheritance. Not counted in ClinVar's aggregate classification.
Comment: Likely benign based on allele frequency in 1000 Genomes Project or ESP global frequency and its presence in a patient with a rare or unrelated disease phenotype. NOT Sanger confirmed.